The following is an entry in ClinVar:

NM_001321967.2(ATAD1):c.584-2A>G

Gene: ATAD1 (ATPase family AAA domain containing 1; minus strand). Cytogenetic location: 10q23.31.
Variant type: single nucleotide variant.
Coding change: c.584-2A>G on transcript NM_001321967.2 (MANE Select); the canonical splice acceptor site of the intron before coding-DNA position 584, A replaced by G.
Molecular consequence: splice acceptor variant.
Genome position (GRCh38, 1-based): chr10:87,776,429, T>C on the plus strand (A>G on the coding strand, the complement: ATAD1 is on the minus strand). VCF-style: chr10-87776429-T-C. GRCh37 (hg19) VCF-style: chr10-89536186-T-C.
Other names: c.584-2A>G (NM_001321968.2, NM_032810.4); c.227-2A>G (NM_001321969.2).
Identifiers: ClinVar variation 2020995 (VCV002020995.4), dbSNP rs2493091446, ClinGen allele CA377490098.
Genomic context (GRCh38, chr10:87,776,429, plus strand): 5'-AGCTTTCATCATGGCTGTAGCTTCATGGTCAGAACTTGAACGGTTTCGTAGAAAGGAGTC[T>C]AGAAGTAAAAGGTCCTTAACCTTAGAAATTAAGAATTAATTATTTACCCTTTTTTTTGAG-3'

ClinVar aggregate classification (germline): Uncertain significance (1 of 4 stars; one submission).

Allele frequency attached by ClinVar (database versions not stated): gnomAD exomes below 0.00001.
gnomAD v4.1: 1 of 1,607,898 alleles (0.000062%); highest among the groups gnomAD compares: Non-Finnish European, 0.000085%; no homozygotes.

Submission:

Labcorp Genetics (formerly Invitae), Labcorp
Classification: Uncertain significance. Last evaluated: 2024-04-24. Review status: criteria provided, single submitter. Criteria: Invitae Variant Classification Sherloc (09022015). Collection method: clinical testing. Allele origin: germline.
Comment: This sequence change affects an acceptor splice site in intron 5 of the ATAD1 gene. It is expected to disrupt RNA splicing. Variants that disrupt the donor or acceptor splice site typically lead to a loss of protein function (PMID: 16199547), however the current clinical and genetic evidence is not sufficient to establish whether loss-of-function variants in ATAD1 cause disease. This variant is not present in population databases (gnomAD no frequency). This variant has not been reported in the literature in individuals affected with ATAD1-related conditions. ClinVar contains an entry for this variant (Variation ID: 2020995). Algorithms developed to predict the effect of sequence changes on RNA splicing suggest that this variant may disrupt the consensus splice site. In summary, the available evidence is currently insufficient to determine the role of this variant in disease. Therefore, it has been classified as a Variant of Uncertain Significance.

Literature cited by the submitters: PubMed 16199547.